The following is an entry in ClinVar:

ClinVar aggregate classification (germline): Uncertain significance (1 of 4 stars; one submission).

Conditions:
Nance-Horan syndrome (NHS). Identifiers: Orphanet 627, MedGen C0796085, MONDO:0010545, OMIM 302350.

Allele frequency attached by ClinVar (database versions not stated): gnomAD exomes below 0.00001; TOPMed below 0.00001; gnomAD 0.00001.
gnomAD v4.1: 3 of 1,209,675 alleles (0.00025%); highest among the groups gnomAD compares: Non-Finnish European, 0.00034%; no homozygotes.

Submission:

Labcorp Genetics (formerly Invitae), Labcorp
Classification: Uncertain significance for Nance-Horan syndrome. Last evaluated: 2025-09-02. Review status: criteria provided, single submitter. Criteria: Invitae Variant Classification Sherloc (09022015). Collection method: clinical testing. Allele origin: germline.
Comment: This sequence change replaces arginine, which is basic and polar, with cysteine, which is neutral and slightly polar, at codon 1084 of the NHS protein (p.Arg1084Cys). This variant is not present in population databases (gnomAD no frequency). This variant has not been reported in the literature in individuals affected with NHS-related conditions. ClinVar contains an entry for this variant (Variation ID: 2072508). Invitae Evidence Modeling of protein sequence and biophysical properties (such as structural, functional, and spatial information, amino acid conservation, physicochemical variation, residue mobility, and thermodynamic stability) indicates that this missense variant is expected to disrupt NHS protein function with a positive predictive value of 80%. In summary, the available evidence is currently insufficient to determine the role of this variant in disease. Therefore, it has been classified as a Variant of Uncertain Significance.

NM_001291867.2(NHS):c.3313C>T (p.Arg1105Cys)

Gene: NHS (NHS actin remodeling regulator; plus strand). Cytogenetic location: Xp22.13.
Variant type: single nucleotide variant.
Coding change: c.3313C>T on transcript NM_001291867.2 (MANE Select); coding-DNA position 3313, C replaced by T.
Protein change: p.Arg1105Cys; replaces arginine 1105 with cysteine.
Molecular consequence: missense variant.
Genome position (GRCh38, 1-based): chrX:17,727,419, C>T. VCF-style: chrX-17727419-C-T. GRCh37 (hg19) VCF-style: chrX-17745539-C-T.
Other names: c.2782C>T, p.Arg928Cys (NM_001136024.4); c.2719C>T, p.Arg907Cys (NM_001291868.2); c.3250C>T, p.Arg1084Cys (NM_198270.4); short protein forms R1084C, R928C, R907C, R1105C.
Identifiers: ClinVar variation 2072508 (VCV002072508.4), dbSNP rs1330445023, ClinGen allele CA412363373.